The following is an entry in ClinVar:

NM_031483.7(ITCH):c.1980G>A (p.Leu660=)

Gene: ITCH (itchy E3 ubiquitin protein ligase; plus strand). Cytogenetic location: 20q11.22.
Variant type: single nucleotide variant.
Coding change: c.1980G>A on transcript NM_031483.7 (MANE Select); coding-DNA position 1980, G replaced by A.
Protein change: p.Leu660=; no amino-acid change (leucine 660 retained).
Molecular consequence: synonymous variant.
Genome position (GRCh38, 1-based): chr20:34,481,093, G>A. VCF-style: chr20-34481093-G-A. GRCh37 (hg19) VCF-style: chr20-33068898-G-A.
Other names: c.2103G>A, p.Leu701= (NM_001257137.3, NM_001324197.2); c.1650G>A, p.Leu550= (NM_001257138.3); c.1980G>A, p.Leu660= (NM_001324198.2).
Identifiers: ClinVar variation 1134412 (VCV001134412.33), dbSNP rs147636046, ClinGen allele CA9821871.

ClinVar aggregate classification (germline): Conflicting classifications of pathogenicity. Review status: criteria provided, conflicting classifications (1 of 4 stars). 3 submissions from 3 submitters: Uncertain significance (1); Likely benign (2). Last evaluated 2025-12-21.

Conditions:
Syndromic multisystem autoimmune disease due to ITCH deficiency. Also called: AUTOIMMUNE DISEASE, MULTISYSTEM, WITH FACIAL DYSMORPHISM. Identifiers: Orphanet 228426, MedGen C3150649, MONDO:0013245, OMIM 613385.

Allele frequency attached by ClinVar (database versions not stated): gnomAD exomes 0.00006 and 0.00012; ExAC 0.00011; ESP Exome Variant Server 0.00015; gnomAD 0.00026 and 0.00027; TOPMed 0.00035.
gnomAD v4.1: 134 of 1,613,484 alleles (0.0083%); highest among the groups gnomAD compares: Middle Eastern, 0.17%; no homozygotes.

Submissions (3):

Labcorp Genetics (formerly Invitae), Labcorp
Classification: Likely benign for Syndromic multisystem autoimmune disease due to ITCH deficiency. Last evaluated: 2025-12-21. Review status: criteria provided, single submitter. Criteria: Invitae Variant Classification Sherloc (09022015). Collection method: clinical testing. Allele origin: germline.

Blueprint Genetics
Classification: Likely benign. Last evaluated: 2024-10-14. Review status: criteria provided, single submitter. Criteria: ACMG Guidelines, 2015. Collection method: clinical testing. Allele origin: germline.

CeGaT Center for Human Genetics Tuebingen
Classification: Uncertain significance. Last evaluated: 2023-07-01. Review status: criteria provided, single submitter. Criteria: CeGaT Center For Human Genetics Tuebingen Variant Classification Criteria Version 2. Collection method: clinical testing. Allele origin: germline. Affected: yes. Observed: 1 variant allele.
Comment: ITCH: PM2:Supporting, BP4